The following is an entry in ClinVar:

ClinVar aggregate classification (germline): Benign. Review status: criteria provided, multiple submitters, no conflicts (2 of 4 stars). 13 submissions from 13 submitters: Benign (11). 2 of the submissions do not count toward it. Last evaluated 2026-02-04.

Conditions:
Hypokalemic periodic paralysis, type 1. Also called: Hypokalemic Periodic Paralysis Type 1 (AD); HypoPP. Identifiers: Orphanet 681, MedGen C3714580, MONDO:0042979, OMIM 170400.
Malignant hyperthermia, susceptibility to, 5 (MHS5). Also called: CACNA1S-Related Malignant Hyperthermia Susceptibility. Identifiers: Orphanet 423, MedGen C1866077, MONDO:0011163, OMIM 601887.

Allele frequency attached by ClinVar (database versions not stated): 1000 Genomes Project 0.12720; 1000 Genomes Project 30x 0.13023; TOPMed 0.23279; gnomAD 0.23821 and 0.24315; gnomAD exomes 0.23937 and 0.33227; ExAC 0.24282; ESP Exome Variant Server 0.27464.
gnomAD v4.1: 519,756 of 1,613,504 alleles (32%); highest among the groups gnomAD compares: Non-Finnish European, 38%; 94,194 homozygotes.

Submissions (13):

Labcorp Genetics (formerly Invitae), Labcorp
Classification: Benign for Hypokalemic periodic paralysis, type 1; Malignant hyperthermia, susceptibility to, 5. Last evaluated: 2026-02-04. Review status: criteria provided, single submitter. Criteria: Invitae Variant Classification Sherloc (09022015). Collection method: clinical testing. Allele origin: germline.

Blueprint Genetics
Classification: Benign. Last evaluated: 2024-11-26. Review status: criteria provided, single submitter. Criteria: ACMG Guidelines, 2015. Collection method: clinical testing. Allele origin: germline.

All of Us Research Program, National Institutes of Health
Classification: Benign for Malignant hyperthermia, susceptibility to, 5. Last evaluated: 2024-02-05. Review status: criteria provided, single submitter. Criteria: ACMG Guidelines, 2015. Collection method: clinical testing. Allele origin: germline. Inheritance: Autosomal dominant inheritance. Observed: 54,864 variant alleles, 43,216 heterozygotes, 11,648 homozygotes.
Comment: This study involves interpretation of variants in research participants for the purpose of population health screening. Participant phenotype was not available at the time of variant classification. Additional details can be found in publication PMID: 35346344, PMCID: PMC8962531

Genome-Nilou Lab
Classification: Benign for Hypokalemic periodic paralysis, type 1. Last evaluated: 2021-07-14. Review status: criteria provided, single submitter. Criteria: ACMG Guidelines, 2015. Collection method: clinical testing. Allele origin: germline. Affected: no.

Athena Diagnostics
Classification: Benign. Last evaluated: 2021-06-22. Review status: criteria provided, single submitter. Criteria: Athena Diagnostics Criteria. Collection method: clinical testing. Allele origin: unknown.

Color Diagnostics, LLC DBA Color Health
Classification: Benign for Malignant hyperthermia, susceptibility to, 5. Last evaluated: 2018-03-05. Review status: criteria provided, single submitter. Criteria: ACMG Guidelines, 2015. Collection method: clinical testing. Allele origin: germline.

Illumina Laboratory Services, Illumina
Classification: Benign for Hypokalemic periodic paralysis, type 1. Last evaluated: 2018-01-13. Review status: criteria provided, single submitter. Criteria: ICSL Variant Classification Criteria 13 December 2019. Collection method: clinical testing. Allele origin: germline.
Comment: This variant was observed in the ICSL laboratory as part of a predisposition screen in an ostensibly healthy population. It had not been previously curated by ICSL or reported in the Human Gene Mutation Database (HGMD: prior to June 1st, 2018), and was therefore a candidate for classification through an automated scoring system. Utilizing variant allele frequency, disease prevalence and penetrance estimates, and inheritance mode, an automated score was calculated to assess if this variant is too frequent to cause the disease. Based on the score and internal cut-off values, a variant classified as benign is not then subjected to further curation. The score for this variant resulted in a classification of benign for this disease.

Mayo Clinic Laboratories, Mayo Clinic
Classification: Benign. Last evaluated: 2017-07-21. Review status: criteria provided, single submitter. Criteria: ACMG Guidelines, 2015. Collection method: clinical testing. Allele origin: germline. Observed: 297 variant alleles.

GeneDx
Classification: Benign. Last evaluated: 2016-01-05. Review status: criteria provided, single submitter. Criteria: GeneDx Variant Classification (06012015). Collection method: clinical testing. Allele origin: germline. Affected: yes.
Comment: This variant is considered likely benign or benign based on one or more of the following criteria: it is a conservative change, it occurs at a poorly conserved position in the protein, it is predicted to be benign by multiple in silico algorithms, and/or has population frequency not consistent with disease.

Breakthrough Genomics
Classification: Benign. Review status: criteria provided, single submitter. Criteria: ACMG Guidelines, 2015. Collection method: not provided. Allele origin: germline. Inheritance: Autosomal dominant inheritance. Affected: yes.

PreventionGenetics, part of Exact Sciences
Classification: Benign. Review status: criteria provided, single submitter. Criteria: ACMG Guidelines, 2015. Collection method: clinical testing. Allele origin: germline.

Diagnostic Laboratory, Department of Genetics, University Medical Center Groningen
Classification: Benign. Review status: no assertion criteria provided. Collection method: clinical testing. Allele origin: germline. Affected: yes. Study: VKGL Data-share Consensus. Not counted in ClinVar's aggregate classification.

Joint Genome Diagnostic Labs from Nijmegen and Maastricht, Radboudumc and MUMC+
Classification: Benign. Review status: no assertion criteria provided. Collection method: clinical testing. Allele origin: germline. Affected: yes. Study: VKGL Data-share Consensus. Not counted in ClinVar's aggregate classification.

NM_000069.3(CACNA1S):c.1373T>A (p.Leu458His)

Gene: CACNA1S (calcium voltage-gated channel subunit alpha1 S; minus strand). Cytogenetic location: 1q32.1.
Variant type: single nucleotide variant.
Coding change: c.1373T>A on transcript NM_000069.3 (MANE Select); coding-DNA position 1373, T replaced by A.
Protein change: p.Leu458His; replaces leucine 458 with histidine.
Molecular consequence: missense variant.
Genome position (GRCh38, 1-based): chr1:201,083,182, A>T on the plus strand (T>A on the coding strand, the complement: CACNA1S is on the minus strand). VCF-style: chr1-201083182-A-T. GRCh37 (hg19) VCF-style: chr1-201052310-A-T.
Other names: short protein forms L458H.
Identifiers: ClinVar variation 254789 (VCV000254789.27), dbSNP rs12742169, ClinGen allele CA078170.
Genomic context (GRCh38, chr1:201,083,182, plus strand): 5'-ACATGTGCCCTCCTCCCGGCTTCACTCCGTTCCGCCTCACCTTGCAAACGGGTCAGCCAG[A>T]GAGGCTGGTTGTGGTGCTCTGAGGCGATAGACAGGGTGTTGAGGGCAACGATGAGAATCA-3'
Protein context (NP_000060.2, residues 448-468): SIASEHHNQP[Leu458His]WLTRLQDIAN